The following is an entry in ClinVar:

NM_001114753.3(ENG):c.1618_1627del (p.Pro540fs)

Genes: ENG (endoglin; minus strand), LOC102723566 (uncharacterized LOC102723566; plus strand). Cytogenetic location: 9q34.11.
Variant type: Deletion.
Coding change: c.1618_1627del on transcript NM_001114753.3 (MANE Select); coding-DNA positions 1618 to 1627, 10 bases deleted (CCCATACCCA; older notation c.1618_1627delCCCATACCCA).
Protein change: p.Pro540fs; shifts the reading frame from proline 540.
Molecular consequence: frameshift variant.
Genome position (GRCh38, 1-based): chr9:127,818,179-127,818,188, TGGGTATGGG deleted on the plus strand (CCCATACCCA on the coding strand, the reverse complement: ENG is on the minus strand); deleting any 10 consecutive bases within chr9:127,818,179-127,818,189 gives the same sequence; the c. name uses the placement nearest the transcript's 3' end. VCF-style (leftmost placement, unchanged base first): chr9-127818178-TTGGGTATGGG-T. GRCh37 (hg19) VCF-style: chr9-130580457-TTGGGTATGGG-T.
Other names: c.1617_1626delACCCATACCC, p.Pro540Lysfs (NM_000118.4); c.1072_1081del, p.Pro358fs (NM_001278138.2); short protein forms P540fs, P358fs.
Identifiers: ClinVar variation 2032214 (VCV002032214.4), dbSNP rs2539059240, ClinGen allele CA2580079645.

ClinVar aggregate classification (germline): Pathogenic (1 of 4 stars; one submission).

Conditions:
Hereditary hemorrhagic telangiectasia (HHT). Also called: ORW DISEASE; Osler Weber Rendu syndrome; OSLER-RENDU-WEBER DISEASE; Osler hemorrhagic telangiectasia syndrome. Identifiers: Orphanet 774, MedGen C0039445, MONDO:0019180. Disease mechanism: loss of function.

Submission:

Labcorp Genetics (formerly Invitae), Labcorp
Classification: Pathogenic for Hereditary hemorrhagic telangiectasia. Last evaluated: 2024-10-15. Review status: criteria provided, single submitter. Criteria: Invitae Variant Classification Sherloc (09022015). Collection method: clinical testing. Allele origin: germline.
Comment: This sequence change creates a premature translational stop signal (p.Pro540Lysfs*9) in the ENG gene. It is expected to result in an absent or disrupted protein product. Loss-of-function variants in ENG are known to be pathogenic (PMID: 15879500). This variant is not present in population databases (gnomAD no frequency). This variant has not been reported in the literature in individuals affected with ENG-related conditions. ClinVar contains an entry for this variant (Variation ID: 2032214). For these reasons, this variant has been classified as Pathogenic.

Literature cited by the submitters: PubMed 15879500.